The following is an entry in ClinVar:

ClinVar aggregate classification (germline): Uncertain significance (1 of 4 stars; one submission).

Allele frequency attached by ClinVar (database versions not stated): TOPMed below 0.00001; gnomAD exomes 0.00003.
gnomAD v4.1: 48 of 1,613,632 alleles (0.003%); highest among the groups gnomAD compares: Non-Finnish European, 0.004%; no homozygotes.

Submission:

CeGaT Center for Human Genetics Tuebingen
Classification: Uncertain significance. Last evaluated: 2024-04-01. Review status: criteria provided, single submitter. Criteria: CeGaT Center For Human Genetics Tuebingen Variant Classification Criteria Version 2. Collection method: clinical testing. Allele origin: germline. Affected: yes. Observed: 1 variant allele.
Comment: ETV1: PM2

NM_004956.5(ETV1):c.1319G>A (p.Arg440His)

Gene: ETV1 (ETS variant transcription factor 1; minus strand). Cytogenetic location: 7p21.2.
Variant type: single nucleotide variant.
Coding change: c.1319G>A on transcript NM_004956.5 (MANE Select); coding-DNA position 1319, G replaced by A.
Protein change: p.Arg440His; replaces arginine 440 with histidine.
Molecular consequence: missense variant. On other transcripts: non-coding transcript variant (1).
Genome position (GRCh38, 1-based): chr7:13,895,981, C>T on the plus strand (G>A on the coding strand, the complement: ETV1 is on the minus strand). VCF-style: chr7-13895981-C-T. GRCh37 (hg19) VCF-style: chr7-13935606-C-T.
Other names: c.1265G>A, p.Arg422His (NM_001163149.2, NM_001163148.2); c.1199G>A, p.Arg400His (NM_001163150.2); c.1145G>A, p.Arg382His (NM_001163151.2); c.1010G>A, p.Arg337His (NM_001163152.2); c.1319G>A, p.Arg440His (NM_001370555.1); c.1271G>A, p.Arg424His (NM_001370556.1); c.1250G>A, p.Arg417His (NM_001163147.2); short protein forms R337H, R382H, R400H, R417H, R422H, R424H, R440H.
Identifiers: ClinVar variation 3234441 (VCV003234441.20), dbSNP rs1326846768, ClinGen allele CA366858043.
Genomic context (GRCh38, chr7:13,895,981, plus strand): 5'-ATGTAGGCCATGCTCTCATCAAAGTGAGAAAGAGGCACTGTGTCCTCCTCGTTGATGTGA[C>T]GTTCCATGTCTGTCTTCAGCAGTGGACGCTGATTATCTGGAAAGGCCATGGAGAAAAGGG-3'
Protein context (NP_004947.2, residues 430-450): QRPLLKTDME[Arg440His]HINEEDTVPL